The following is an entry in ClinVar:

NM_016284.5(CNOT1):c.4811C>G (p.Ala1604Gly)

Gene: CNOT1 (CCR4-NOT transcription complex subunit 1; minus strand). Cytogenetic location: 16q21.
Variant type: single nucleotide variant.
Coding change: c.4811C>G on transcript NM_016284.5 (MANE Select); coding-DNA position 4811, C replaced by G.
Protein change: p.Ala1604Gly; replaces alanine 1604 with glycine.
Molecular consequence: missense variant. On other transcripts: non-coding transcript variant (1).
Genome position (GRCh38, 1-based): chr16:58,539,949, G>C on the plus strand (C>G on the coding strand, the complement: CNOT1 is on the minus strand). VCF-style: chr16-58539949-G-C. GRCh37 (hg19) VCF-style: chr16-58573853-G-C.
Other names: c.4796C>G, p.Ala1599Gly (NM_001265612.2); short protein forms A1604G, A1599G.
Identifiers: ClinVar variation 2263268 (VCV002263268.4), dbSNP rs2543881978, ClinGen allele CA396167495.

ClinVar aggregate classification (germline): Uncertain significance. Review status: criteria provided, multiple submitters, no conflicts (2 of 4 stars). 2 submissions from 2 submitters: Uncertain significance (2). Last evaluated 2024-02-24.

Conditions:
Inborn genetic diseases. Identifiers: MedGen C0950123, MeSH D030342.

Submissions (2):

Labcorp Genetics (formerly Invitae), Labcorp
Classification: Uncertain significance. Last evaluated: 2024-02-24. Review status: criteria provided, single submitter. Criteria: Invitae Variant Classification Sherloc (09022015). Collection method: clinical testing. Allele origin: germline.
Comment: This sequence change replaces alanine, which is neutral and non-polar, with glycine, which is neutral and non-polar, at codon 1599 of the CNOT1 protein (p.Ala1599Gly). This variant is not present in population databases (gnomAD no frequency). This variant has not been reported in the literature in individuals affected with CNOT1-related conditions. ClinVar contains an entry for this variant (Variation ID: 2263268). An algorithm developed to predict the effect of missense changes on protein structure and function (PolyPhen-2) suggests that this variant is likely to be tolerated. In summary, the available evidence is currently insufficient to determine the role of this variant in disease. Therefore, it has been classified as a Variant of Uncertain Significance.

Ambry Genetics
Classification: Uncertain significance for Inborn genetic diseases. Last evaluated: 2022-08-11. Review status: criteria provided, single submitter. Criteria: Ambry Variant Classification Scheme 2023. Collection method: clinical testing. Allele origin: germline.